The following is an entry in ClinVar:

ClinVar aggregate classification (germline): Uncertain significance. Review status: criteria provided, multiple submitters, no conflicts (2 of 4 stars). 4 submissions from 4 submitters: Uncertain significance (4). Last evaluated 2025-09-26.

Conditions:
Joubert syndrome 1 (JBTS1). Also called: CEREBELLOPARENCHYMAL DISORDER IV; Cerebellooculorenal syndrome 1. Identifiers: MedGen C4551568, MONDO:0008944, OMIM 213300.
MORM syndrome (MORMS). Identifiers: Orphanet 75858, MedGen C1857802, MONDO:0012423, OMIM 610156.
INPP5E-related disorder. Also called: INPP5E-related condition.
Joubert syndrome. Also called: Familial aplasia of the vermis; JOUBERT-BOLTSHAUSER SYNDROME. Identifiers: Orphanet 475, MedGen C5979921, MONDO:0018772.

Allele frequency attached by ClinVar (database versions not stated): gnomAD exomes below 0.00001; TOPMed 0.00002; ExAC 0.00004; gnomAD 0.00006 and 0.00007; ESP Exome Variant Server 0.00008; 1000 Genomes Project 0.00020; 1000 Genomes Project 30x 0.00031.

Submissions (4):

PreventionGenetics, part of Exact Sciences
Classification: Uncertain significance for INPP5E-related condition. Last evaluated: 2025-09-26. Review status: criteria provided, single submitter. Criteria: ACMG Guidelines, 2015. Collection method: clinical testing. Allele origin: germline.
Comment: The INPP5E c.764C>A variant is predicted to result in the amino acid substitution p.Ser255Tyr. To our knowledge, this variant has not been reported in the literature. This variant is reported in 0.031% of alleles in individuals of African descent in gnomAD. At this time, the clinical significance of this variant is uncertain due to the absence of conclusive functional and genetic evidence.

Fulgent Genetics
Classification: Uncertain significance for Joubert syndrome 1; MORM syndrome. Last evaluated: 2024-05-30. Review status: criteria provided, single submitter. Criteria: ACMG Guidelines, 2015. Collection method: clinical testing. Allele origin: germline.

Labcorp Genetics (formerly Invitae), Labcorp
Classification: Uncertain significance for Joubert syndrome. Last evaluated: 2022-11-01. Review status: criteria provided, single submitter. Criteria: Invitae Variant Classification Sherloc (09022015). Collection method: clinical testing. Allele origin: germline.
Comment: In summary, the available evidence is currently insufficient to determine the role of this variant in disease. Therefore, it has been classified as a Variant of Uncertain Significance. Advanced modeling of protein sequence and biophysical properties (such as structural, functional, and spatial information, amino acid conservation, physicochemical variation, residue mobility, and thermodynamic stability) has been performed at Invitae for this missense variant, however the output from this modeling did not meet the statistical confidence thresholds required to predict the impact of this variant on INPP5E protein function. ClinVar contains an entry for this variant (Variation ID: 1014366). This variant has not been reported in the literature in individuals affected with INPP5E-related conditions. The frequency data for this variant in the population databases is considered unreliable, as metrics indicate poor data quality at this position in the gnomAD database. This sequence change replaces serine, which is neutral and polar, with tyrosine, which is neutral and polar, at codon 255 of the INPP5E protein (p.Ser255Tyr).

Blueprint Genetics
Classification: Uncertain significance. Last evaluated: 2019-11-01. Review status: criteria provided, single submitter. Criteria: ACMG Guidelines, 2015. Collection method: clinical testing. Allele origin: germline.

NM_019892.6(INPP5E):c.764C>A (p.Ser255Tyr)

Gene: INPP5E (inositol polyphosphate-5-phosphatase E; minus strand). Cytogenetic location: 9q34.3.
Variant type: single nucleotide variant.
Coding change: c.764C>A on transcript NM_019892.6 (MANE Select); coding-DNA position 764, C replaced by A.
Protein change: p.Ser255Tyr; replaces serine 255 with tyrosine.
Molecular consequence: missense variant.
Genome position (GRCh38, 1-based): chr9:136,438,656, G>T on the plus strand (C>A on the coding strand, the complement: INPP5E is on the minus strand). VCF-style: chr9-136438656-G-T. GRCh37 (hg19) VCF-style: chr9-139333108-G-T.
Other names: c.764C>A, p.Ser255Tyr (NM_001318502.2); c.764C>A (NM_019892.5); short protein forms S255Y.
Identifiers: ClinVar variation 1014366 (VCV001014366.8), dbSNP rs368817877, ClinGen allele CA5337083.